The following is an entry in ClinVar:

NM_194248.3(OTOF):c.2887C>T (p.Arg963Ter)

Gene: OTOF (otoferlin; minus strand). Cytogenetic location: 2p23.3.
Variant type: single nucleotide variant.
Coding change: c.2887C>T on transcript NM_194248.3 (MANE Select); coding-DNA position 2887, C replaced by T.
Protein change: p.Arg963Ter; replaces arginine 963 with a stop codon.
Molecular consequence: nonsense.
Genome position (GRCh38, 1-based): chr2:26,476,018, G>A on the plus strand (C>T on the coding strand, the complement: OTOF is on the minus strand). VCF-style: chr2-26476018-G-A. GRCh37 (hg19) VCF-style: chr2-26698886-G-A.
Other names: c.2887C>T, p.Arg963Ter (NM_001287489.2); c.646C>T, p.Arg216Ter (NM_004802.4, NM_194323.3); c.817C>T, p.Arg273Ter (NM_194322.3); short protein forms R963*, R216*, R273*.
Identifiers: ClinVar variation 21840 (VCV000021840.19), dbSNP rs80356595, ClinGen allele CA342566.

ClinVar aggregate classification (germline): Pathogenic. Review status: criteria provided, multiple submitters, no conflicts (2 of 4 stars). 8 submissions from 8 submitters: Pathogenic (6). 2 of the submissions do not count toward it. Last evaluated 2026-10-08.

Conditions:
OTOF-related disorder. Also called: OTOF-related condition.
Autosomal recessive nonsyndromic hearing loss 9. Also called: AUDITORY NEUROPATHY, AUTOSOMAL RECESSIVE, 1, TEMPERATURE-SENSITIVE; OTOF-Related Hearing Loss; Deafness, autosomal recessive 9; NEUROSENSORY NONSYNDROMIC RECESSIVE DEAFNESS 9. Identifiers: Orphanet 90636, MedGen C1832828, MONDO:0010986, OMIM 601071.

Allele frequency attached by ClinVar (database versions not stated): gnomAD exomes 0.00002 and 0.00012; gnomAD 0.00005; TOPMed 0.00005; ExAC 0.00002; ESP Exome Variant Server 0.00008.

Submissions (8):

GeneDx
Classification: Pathogenic. Last evaluated: 2026-10-08. Review status: criteria provided, single submitter. Criteria: GeneDx Variant Classification Process June 2021. Collection method: clinical testing. Allele origin: germline.
Comment: Nonsense variant predicted to result in protein truncation or nonsense mediated decay in a gene for which loss of function is a known mechanism of disease; This variant is associated with the following publications: (PMID: 25525159, 18381613, 34424407, 16283880, 22906306, 37677959, 22575033, 19250381)

Genomic Medicine Center of Excellence, King Faisal Specialist Hospital and Research Centre
Classification: Pathogenic for Autosomal recessive nonsyndromic hearing loss 9. Last evaluated: 2025-09-10. Review status: criteria provided, single submitter. Criteria: ACMG Guidelines, 2015. Collection method: clinical testing. Allele origin: germline.

Labcorp Genetics (formerly Invitae), Labcorp
Classification: Pathogenic. Last evaluated: 2025-08-01. Review status: criteria provided, single submitter. Criteria: Invitae Variant Classification Sherloc (09022015). Collection method: clinical testing. Allele origin: germline.
Comment: This sequence change creates a premature translational stop signal (p.Arg963*) in the OTOF gene. It is expected to result in an absent or disrupted protein product. Loss-of-function variants in OTOF are known to be pathogenic (PMID: 18381613, 19250381, 22575033). This variant is present in population databases (rs80356595, gnomAD 0.009%). This premature translational stop signal has been observed in individual(s) with deafness and/or auditory neuropathy (PMID: 16283880). ClinVar contains an entry for this variant (Variation ID: 21840). For these reasons, this variant has been classified as Pathogenic.

Blueprint Genetics
Classification: Pathogenic for OTOF-related disorders. Last evaluated: 2024-11-01. Review status: criteria provided, single submitter. Criteria: ACMG Guidelines, 2015. Collection method: clinical testing. Allele origin: germline. Affected: yes. Observed: 4 variant alleles.

Fulgent Genetics
Classification: Pathogenic for Autosomal recessive nonsyndromic hearing loss 9. Last evaluated: 2022-05-05. Review status: criteria provided, single submitter. Criteria: ACMG Guidelines, 2015. Collection method: clinical testing. Allele origin: unknown.

Revvity Omics, Revvity
Classification: Pathogenic for Autosomal recessive nonsyndromic hearing loss 9. Last evaluated: 2020-05-18. Review status: criteria provided, single submitter. Criteria: ACMG Guidelines, 2015. Collection method: clinical testing. Allele origin: germline.

Diagnosis and Treatment Center of Genetic Hearing Loss, Eye & ENT Hospital of Fudan University
Classification: Pathogenic for Autosomal recessive nonsyndromic hearing loss 9. Last evaluated: 2026-02-04. Review status: no assertion criteria provided. Collection method: clinical testing. Allele origin: germline. Inheritance: Autosomal recessive inheritance. Affected: yes. Not counted in ClinVar's aggregate classification.
Comment: The c.2887C>T nonsense variant in OTOF creates a premature stop codon and predicted NMD (PVS1). It is extremely rare in population databases (ExAC frequency 1.76e‑5, gnomAD frequency 0.000149) (PM2_Supporting). It has been reported in a homozygous patient (PM3_Supporting; PMID: 16283880).

GeneReviews
No classification provided. Condition: Autosomal recessive nonsyndromic hearing loss 9. Review status: no classification provided. Collection method: literature only. Allele origin: unknown. Not counted in ClinVar's aggregate classification.

Literature cited by the submitters: PubMed 18381613 (cited by Labcorp Genetics (formerly Invitae), Labcorp); PubMed 19250381 (cited by Labcorp Genetics (formerly Invitae), Labcorp); PubMed 22575033 (cited by Labcorp Genetics (formerly Invitae), Labcorp); PubMed 16283880 (cited by Labcorp Genetics (formerly Invitae), Labcorp and GeneReviews); PubMed 20301429 (cited by GeneReviews); NCBI Bookshelf NBK1251 (cited by GeneReviews).